The following is an entry in ClinVar:

ClinVar aggregate classification (germline): Uncertain significance (1 of 4 stars; one submission).

Submission:

GeneDx
Classification: Uncertain significance. Last evaluated: 2021-04-01. Review status: criteria provided, single submitter. Criteria: GeneDx Variant Classification Process June 2021. Collection method: clinical testing. Allele origin: germline. Affected: yes.
Comment: Has not been previously published as pathogenic or benign to our knowledge; In silico analysis supports that this missense variant has a deleterious effect on protein structure/function; Not observed in large population cohorts (Lek et al., 2016)

NM_006796.3(AFG3L2):c.2024T>C (p.Phe675Ser)

Gene: AFG3L2 (AFG3 like matrix AAA peptidase subunit 2; minus strand). Cytogenetic location: 18p11.21.
Variant type: single nucleotide variant.
Coding change: c.2024T>C on transcript NM_006796.3 (MANE Select); coding-DNA position 2024, T replaced by C.
Protein change: p.Phe675Ser; replaces phenylalanine 675 with serine.
Molecular consequence: missense variant.
Genome position (GRCh38, 1-based): chr18:12,337,492, A>G on the plus strand (T>C on the coding strand, the complement: AFG3L2 is on the minus strand). VCF-style: chr18-12337492-A-G. GRCh37 (hg19) VCF-style: chr18-12337491-A-G.
Other names: short protein forms F675S.
Identifiers: ClinVar variation 1314449 (VCV001314449.2), dbSNP rs2143111750, ClinGen allele CA401944243.
Genomic context (GRCh38, chr18:12,337,492, plus strand): 5'-CTTGCAGTGGCTTCACTGTAAGGTTTCTCCAATACCATGTCCCCCTGACGTGGGAGGTCA[A>G]AGGAGATTTGCCCAACCTTTTCATTCATGCCAAACTGAACAATCTGAAAAATACATAATT-3'
Protein context (NP_006787.2, residues 665-685): GMNEKVGQIS[Phe675Ser]DLPRQGDMVL